The following is an entry in ClinVar:

NM_006070.6(TFG):c.830G>A (p.Ser277Asn)

Gene: TFG (trafficking from ER to golgi regulator; plus strand). Cytogenetic location: 3q12.2.
Variant type: single nucleotide variant.
Coding change: c.830G>A on transcript NM_006070.6 (MANE Select); coding-DNA position 830, G replaced by A.
Protein change: p.Ser277Asn; replaces serine 277 with asparagine.
Molecular consequence: missense variant.
Genome position (GRCh38, 1-based): chr3:100,748,158, G>A. VCF-style: chr3-100748158-G-A. GRCh37 (hg19) VCF-style: chr3-100467002-G-A.
Other names: c.830G>A, p.Ser277Asn (NM_001007565.2, NM_001195478.2); c.818G>A, p.Ser273Asn (NM_001195479.2); short protein forms S273N, S277N.
Identifiers: ClinVar variation 2940870 (VCV002940870.3), dbSNP rs2472156681, ClinGen allele CA353852540.

ClinVar aggregate classification (germline): Uncertain significance (1 of 4 stars; one submission).

Conditions:
Hereditary motor and sensory neuropathy, Okinawa type (HMSNO). Also called: HEREDITARY MOTOR AND SENSORY NEUROPATHY, PROXIMAL TYPE. Identifiers: Orphanet 90117, MedGen C1858338, MONDO:0011468, OMIM 604484.
Hereditary spastic paraplegia 57. Also called: Spastic paraplegia 57, autosomal recessive. Identifiers: Orphanet 431329, MedGen C3714897, MONDO:0014295, OMIM 615658.

Submission:

Labcorp Genetics (formerly Invitae), Labcorp
Classification: Uncertain significance for Hereditary motor and sensory neuropathy, Okinawa type; Hereditary spastic paraplegia 57. Last evaluated: 2024-09-10. Review status: criteria provided, single submitter. Criteria: Invitae Variant Classification Sherloc (09022015). Collection method: clinical testing. Allele origin: germline.
Comment: This sequence change replaces serine, which is neutral and polar, with asparagine, which is neutral and polar, at codon 277 of the TFG protein (p.Ser277Asn). This variant is not present in population databases (gnomAD no frequency). This variant has not been reported in the literature in individuals affected with TFG-related conditions. Invitae Evidence Modeling of protein sequence and biophysical properties (such as structural, functional, and spatial information, amino acid conservation, physicochemical variation, residue mobility, and thermodynamic stability) indicates that this missense variant is not expected to disrupt TFG protein function with a negative predictive value of 80%. In summary, the available evidence is currently insufficient to determine the role of this variant in disease. Therefore, it has been classified as a Variant of Uncertain Significance.